The following is an entry in ClinVar:

NM_018191.4(RCBTB1):c.780C>T (p.Asn260=)

Gene: RCBTB1 (RCC1 and BTB domain containing protein 1; minus strand). Cytogenetic location: 13q14.2.
Variant type: single nucleotide variant.
Coding change: c.780C>T on transcript NM_018191.4 (MANE Select); coding-DNA position 780, C replaced by T.
Protein change: p.Asn260=; no amino-acid change (asparagine 260 retained).
Molecular consequence: synonymous variant. On other transcripts: non-coding transcript variant (2).
Genome position (GRCh38, 1-based): chr13:49,551,400, G>A on the plus strand (C>T on the coding strand, the complement: RCBTB1 is on the minus strand). VCF-style: chr13-49551400-G-A. GRCh37 (hg19) VCF-style: chr13-50125536-G-A.
Other names: c.780C>T, p.Asn260= (NM_001352500.2, NM_001352501.2, NM_001352502.2 and 3 more transcripts); c.201C>T, p.Asn67= (NM_001352506.2); c.780C>T (NM_018191.3).
Identifiers: ClinVar variation 1146476 (VCV001146476.11), dbSNP rs146165279, ClinGen allele CA6982775.

ClinVar aggregate classification (germline): Conflicting classifications of pathogenicity. Review status: criteria provided, conflicting classifications (1 of 4 stars). 3 submissions from 3 submitters: Uncertain significance (1); Likely benign (2). Last evaluated 2025-04-03.

Allele frequency attached by ClinVar (database versions not stated): ExAC 0.00003; gnomAD exomes 0.00003 and 0.00004; ESP Exome Variant Server 0.00008; gnomAD 0.00022 and 0.00024; TOPMed 0.00022.
gnomAD v4.1: 71 of 1,614,096 alleles (0.0044%); highest among the groups gnomAD compares: African/African-American, 0.087%; no homozygotes.

Submissions (3):

GeneDx
Classification: Uncertain significance. Last evaluated: 2025-04-03. Review status: criteria provided, single submitter. Criteria: GeneDx Variant Classification Process June 2021. Collection method: clinical testing. Allele origin: germline. Affected: yes.
Comment: In silico analysis indicates that this variant does not alter splicing; Has not been previously published as pathogenic or benign to our knowledge

Labcorp Genetics (formerly Invitae), Labcorp
Classification: Likely benign. Last evaluated: 2025-03-12. Review status: criteria provided, single submitter. Criteria: Invitae Variant Classification Sherloc (09022015). Collection method: clinical testing. Allele origin: germline.

Blueprint Genetics
Classification: Likely benign. Last evaluated: 2020-05-07. Review status: criteria provided, single submitter. Criteria: ACMG Guidelines, 2015. Collection method: clinical testing. Allele origin: germline.